The following is an entry in ClinVar:

ClinVar aggregate classification (germline): Uncertain significance (1 of 4 stars; one submission).

Conditions:
Vici syndrome (VICIS). Identifiers: Orphanet 1493, MedGen C1855772, MONDO:0009452, OMIM 242840.

Allele frequency attached by ClinVar (database versions not stated): gnomAD exomes below 0.00001.
gnomAD v4.1: 3 of 1,607,292 alleles (0.00019%); highest among the groups gnomAD compares: Non-Finnish European, 0.00025%; no homozygotes.

Submission:

Neuberg Centre For Genomic Medicine, NCGM
Classification: Uncertain significance for Vici syndrome. Review status: criteria provided, single submitter. Criteria: ACMG Guidelines, 2015. Collection method: clinical testing. Allele origin: germline. Inheritance: Autosomal recessive inheritance. Affected: yes.
Comment: The missense variant c.6634A>G p.Lys2212Glu in the EPG5 gene has not been reported previously as a pathogenic variant nor as a benign variant, to our knowledge. This variant is novel not in any individuals in gnomAD Exomes and 1000 Genomes. The amino acid Lysine at position 2212 is changed to a Glutamic Acid changing protein sequence and it might alter its composition and physico-chemical properties. The variant is predicted as damaging by SIFT. The amino acid change p.Lys2212Glu in EPG5 is predicted as conserved by GERP++ and PhyloP across 100 vertebrates. For these reasons, this variant has been classified as Uncertain Significance

NM_020964.3(EPG5):c.6634A>G (p.Lys2212Glu)

Gene: EPG5 (ectopic P-granules 5 autophagy tethering factor; minus strand). Cytogenetic location: 18q12.3.
Variant type: single nucleotide variant.
Coding change: c.6634A>G on transcript NM_020964.3 (MANE Select); coding-DNA position 6634, A replaced by G.
Protein change: p.Lys2212Glu; replaces lysine 2212 with glutamic acid.
Molecular consequence: missense variant.
Genome position (GRCh38, 1-based): chr18:45,865,747, T>C on the plus strand (A>G on the coding strand, the complement: EPG5 is on the minus strand). VCF-style: chr18-45865747-T-C. GRCh37 (hg19) VCF-style: chr18-43445712-T-C.
Other names: c.6634A>G, p.Lys2212Glu (NM_001410858.1); c.6631A>G, p.Lys2211Glu (NM_001410859.1); short protein forms K2211E, K2212E.
Identifiers: ClinVar variation 3235036 (VCV003235036.1), dbSNP rs2511479250, ClinGen allele CA402338600.